The following is an entry in ClinVar:

ClinVar aggregate classification (germline): Uncertain significance. Review status: criteria provided, multiple submitters, no conflicts (2 of 4 stars). 2 submissions from 2 submitters: Uncertain significance (2). Last evaluated 2025-09-09.

Conditions:
Inborn genetic diseases. Identifiers: MedGen C0950123, MeSH D030342.

Allele frequency attached by ClinVar (database versions not stated): TOPMed 0.00025; 1000 Genomes Project 30x 0.00047; 1000 Genomes Project 0.00060.
gnomAD v4.1: 52 of 1,603,324 alleles (0.0032%); highest among the groups gnomAD compares: African/African-American, 0.063%; no homozygotes.

Submissions (2):

Ambry Genetics
Classification: Uncertain significance for Inborn genetic diseases. Last evaluated: 2025-09-09. Review status: criteria provided, single submitter. Criteria: Ambry Variant Classification Scheme 2023. Collection method: clinical testing. Allele origin: germline.

Labcorp Genetics (formerly Invitae), Labcorp
Classification: Uncertain significance. Last evaluated: 2022-09-01. Review status: criteria provided, single submitter. Criteria: Invitae Variant Classification Sherloc (09022015). Collection method: clinical testing. Allele origin: germline.
Comment: This sequence change replaces proline, which is neutral and non-polar, with serine, which is neutral and polar, at codon 11 of the UNC45A protein (p.Pro11Ser). This variant is present in population databases (rs572718253, gnomAD 0.07%). This variant has not been reported in the literature in individuals affected with UNC45A-related conditions. Algorithms developed to predict the effect of missense changes on protein structure and function are either unavailable or do not agree on the potential impact of this missense change (SIFT: "Not Available"; PolyPhen-2: "Benign"; Align-GVGD: "Not Available"). In summary, the available evidence is currently insufficient to determine the role of this variant in disease. Therefore, it has been classified as a Variant of Uncertain Significance.

NM_018671.5(UNC45A):c.31C>T (p.Pro11Ser)

Genes: UNC45A (unc-45 myosin chaperone A; plus strand), LOC130057954 (ATAC-STARR-seq lymphoblastoid silent region 6833; plus strand). Cytogenetic location: 15q26.1.
Variant type: single nucleotide variant.
Coding change: c.31C>T on transcript NM_018671.5 (MANE Select); coding-DNA position 31, C replaced by T.
Protein change: p.Pro11Ser; replaces proline 11 with serine.
Molecular consequence: missense variant. On other transcripts: 5 prime UTR variant (1), intron variant (2).
Genome position (GRCh38, 1-based): chr15:90,935,355, C>T. VCF-style: chr15-90935355-C-T. GRCh37 (hg19) VCF-style: chr15-91478585-C-T.
Other names: c.31C>T, p.Pro11Ser (NM_001323619.1); c.-553C>T (NM_001323620.2); c.6+25C>T (NM_001039675.2, NM_001323621.2); c.31C>T (NM_018671.3); short protein forms P11S.
Identifiers: ClinVar variation 2418330 (VCV002418330.5), dbSNP rs572718253, ClinGen allele CA7742380.